The following is an entry in ClinVar:

NM_000751.3(CHRND):c.178C>A (p.Leu60Ile)

Gene: CHRND (cholinergic receptor nicotinic delta subunit; plus strand). Cytogenetic location: 2q37.1.
Variant type: single nucleotide variant.
Coding change: c.178C>A on transcript NM_000751.3 (MANE Select); coding-DNA position 178, C replaced by A.
Protein change: p.Leu60Ile; replaces leucine 60 with isoleucine.
Molecular consequence: missense variant. On other transcripts: 5 prime UTR variant (2).
Genome position (GRCh38, 1-based): chr2:232,526,654, C>A. VCF-style: chr2-232526654-C-A. GRCh37 (hg19) VCF-style: chr2-233391364-C-A.
Other names: c.178C>A (NM_000751.1); c.178C>A, p.Leu60Ile (NM_001256657.2); c.-94C>A (NM_001311195.2, NM_001311196.2); short protein forms L60I.
Identifiers: ClinVar variation 1391232 (VCV001391232.10), dbSNP rs200743096, ClinGen allele CA2167918.

ClinVar aggregate classification (germline): Uncertain significance. Review status: criteria provided, multiple submitters, no conflicts (2 of 4 stars). 3 submissions from 3 submitters: Uncertain significance (3). Last evaluated 2026-01-20.

Conditions:
Inborn genetic diseases. Identifiers: MedGen C0950123, MeSH D030342.
Lethal multiple pterygium syndrome (LMPS). Identifiers: Orphanet 33108, MedGen C1854678, MONDO:0009668, OMIM 253290.

Allele frequency attached by ClinVar (database versions not stated): ExAC 0.00002; TOPMed 0.00002; gnomAD 0.00003; gnomAD exomes 0.00003 and 0.00004.

Submissions (3):

Labcorp Genetics (formerly Invitae), Labcorp
Classification: Uncertain significance for Lethal multiple pterygium syndrome. Last evaluated: 2026-01-20. Review status: criteria provided, single submitter. Criteria: Invitae Variant Classification Sherloc (09022015). Collection method: clinical testing. Allele origin: germline.
Comment: This sequence change replaces leucine, which is neutral and non-polar, with isoleucine, which is neutral and non-polar, at codon 60 of the CHRND protein (p.Leu60Ile). This variant is present in population databases (rs200743096, gnomAD 0.05%). This variant has not been reported in the literature in individuals affected with CHRND-related conditions. ClinVar contains an entry for this variant (Variation ID: 1391232). Invitae Evidence Modeling of protein sequence and biophysical properties (such as structural, functional, and spatial information, amino acid conservation, physicochemical variation, residue mobility, and thermodynamic stability) has been performed for this missense variant. However, the output from this modeling did not meet the statistical confidence thresholds required to predict the impact of this variant on CHRND protein function. In summary, the available evidence is currently insufficient to determine the role of this variant in disease. Therefore, it has been classified as a Variant of Uncertain Significance.

Ambry Genetics
Classification: Uncertain significance for Inborn genetic diseases. Last evaluated: 2023-07-17. Review status: criteria provided, single submitter. Criteria: Ambry Variant Classification Scheme 2023. Collection method: clinical testing. Allele origin: germline.

Revvity Omics, Revvity
Classification: Uncertain significance. Last evaluated: 2019-11-22. Review status: criteria provided, single submitter. Criteria: ACMG Guidelines, 2015. Collection method: clinical testing. Allele origin: germline.